The following is an entry in ClinVar:

NM_004738.5(VAPB):c.184G>A (p.Asp62Asn)

Gene: VAPB (VAMP associated protein B and C; plus strand). Cytogenetic location: 20q13.32.
Variant type: single nucleotide variant.
Coding change: c.184G>A on transcript NM_004738.5 (MANE Select); coding-DNA position 184, G replaced by A.
Protein change: p.Asp62Asn; replaces aspartic acid 62 with asparagine.
Molecular consequence: missense variant. On other transcripts: non-coding transcript variant (1).
Genome position (GRCh38, 1-based): chr20:58,418,336, G>A. VCF-style: chr20-58418336-G-A. GRCh37 (hg19) VCF-style: chr20-56993392-G-A.
Other names: c.184G>A, p.Asp62Asn (NM_001195677.2); short protein forms D62N.
Identifiers: ClinVar variation 1781302 (VCV001781302.4), dbSNP rs574481743, ClinGen allele CA9924185.
Genomic context (GRCh38, chr20:58,418,336, plus strand): 5'-TTTAAGGTGAAGACTACAGCACCACGTAGGTACTGTGTGAGGCCCAACAGCGGAATCATC[G>A]ATGCAGGGGCCTCAATTAATGTATCTGGTAAGTCCTGAGACTGGAGGCCTAGAGGGTGGG-3'
Protein context (NP_004729.1, residues 52-72): YCVRPNSGII[Asp62Asn]AGASINVSVM

ClinVar aggregate classification (germline): Uncertain significance. Review status: criteria provided, multiple submitters, no conflicts (2 of 4 stars). 2 submissions from 2 submitters: Uncertain significance (2). Last evaluated 2025-09-13.

Conditions:
Inborn genetic diseases. Identifiers: MedGen C0950123, MeSH D030342.
Amyotrophic lateral sclerosis type 8 (ALS8). Identifiers: Orphanet 803, MedGen C1837728, MONDO:0012077, OMIM 608627.
Adult-onset proximal spinal muscular atrophy, autosomal dominant. Also called: FINKEL LATE-ADULT TYPE SMA; Spinal muscular atrophy, late-onset, finkel type. Identifiers: Orphanet 209335, MedGen C1854058, MONDO:0008453, OMIM 182980.

Allele frequency attached by ClinVar (database versions not stated): TOPMed below 0.00001; gnomAD 0.00001; ExAC 0.00002; 1000 Genomes Project 0.00020; 1000 Genomes Project 30x 0.00031.
gnomAD v4.1: 11 of 1,614,140 alleles (0.00068%); highest among the groups gnomAD compares: East Asian, 0.0022%; no homozygotes.

Submissions (2):

Labcorp Genetics (formerly Invitae), Labcorp
Classification: Uncertain significance for Adult-onset proximal spinal muscular atrophy, autosomal dominant; Amyotrophic lateral sclerosis type 8. Last evaluated: 2025-09-13. Review status: criteria provided, single submitter. Criteria: Invitae Variant Classification Sherloc (09022015). Collection method: clinical testing. Allele origin: germline.
Comment: This sequence change replaces aspartic acid, which is acidic and polar, with asparagine, which is neutral and polar, at codon 62 of the VAPB protein (p.Asp62Asn). This variant is present in population databases (rs574481743, gnomAD 0.003%). This variant has not been reported in the literature in individuals affected with VAPB-related conditions. ClinVar contains an entry for this variant (Variation ID: 1781302). Invitae Evidence Modeling of protein sequence and biophysical properties (such as structural, functional, and spatial information, amino acid conservation, physicochemical variation, residue mobility, and thermodynamic stability) has been performed for this missense variant. However, the output from this modeling did not meet the statistical confidence thresholds required to predict the impact of this variant on VAPB protein function. In summary, the available evidence is currently insufficient to determine the role of this variant in disease. Therefore, it has been classified as a Variant of Uncertain Significance.

Ambry Genetics
Classification: Uncertain significance for Inborn genetic diseases. Last evaluated: 2020-01-08. Review status: criteria provided, single submitter. Criteria: Ambry Variant Classification Scheme 2023. Collection method: clinical testing. Allele origin: germline.
Comment: The p.D62N variant (also known as c.184G>A), located in coding exon 2 of the VAPB gene, results from a G to A substitution at nucleotide position 184. The aspartic acid at codon 62 is replaced by asparagine, an amino acid with highly similar properties. This amino acid position is well conserved in available vertebrate species. In addition, this alteration is predicted to be tolerated by in silico analysis. Since supporting evidence is limited at this time, the clinical significance of this alteration remains unclear.